The following is an entry in ClinVar:

NM_000135.4(FANCA):c.3662A>G (p.Asn1221Ser)

Gene: FANCA (FA complementation group A; minus strand). Cytogenetic location: 16q24.3.
Variant type: single nucleotide variant.
Coding change: c.3662A>G on transcript NM_000135.4 (MANE Select); coding-DNA position 3662, A replaced by G.
Protein change: p.Asn1221Ser; replaces asparagine 1221 with serine.
Molecular consequence: missense variant.
Genome position (GRCh38, 1-based): chr16:89,742,903, T>C on the plus strand (A>G on the coding strand, the complement: FANCA is on the minus strand). VCF-style: chr16-89742903-T-C. GRCh37 (hg19) VCF-style: chr16-89809311-T-C.
Other names: c.3662A>G, p.Asn1221Ser (NM_001286167.3); short protein forms N1221S.
Identifiers: ClinVar variation 4619238 (VCV004619238.1).

ClinVar aggregate classification (germline): Uncertain significance (1 of 4 stars; one submission).

Conditions:
Inborn genetic diseases. Identifiers: MedGen C0950123, MeSH D030342.

gnomAD v4.1: 2 of 1,614,020 alleles (0.00012%); highest among the groups gnomAD compares: South Asian, 0.0011%; no homozygotes.

Submission:

Ambry Genetics
Classification: Uncertain significance for Inborn genetic diseases. Last evaluated: 2025-11-01. Review status: criteria provided, single submitter. Criteria: Ambry Variant Classification Scheme 2023. Collection method: clinical testing. Allele origin: germline.
Comment: The p.N1221S variant (also known as c.3662A>G), located in coding exon 37 of the FANCA gene, results from an A to G substitution at nucleotide position 3662. The asparagine at codon 1221 is replaced by serine, an amino acid with highly similar properties. This amino acid position is conserved. In addition, this alteration is predicted to be tolerated by in silico analysis. Based on the available evidence, the clinical significance of this variant remains unclear.